The following is an entry in ClinVar:

NM_139057.4(ADAMTS17):c.913dup (p.Glu305fs)

Gene: ADAMTS17 (ADAM metallopeptidase with thrombospondin type 1 motif 17; minus strand). Cytogenetic location: 15q26.3.
Variant type: Duplication.
Coding change: c.913dup on transcript NM_139057.4 (MANE Select); coding-DNA position 913, one base duplicated (G; older notation c.913dupG).
Protein change: p.Glu305fs; shifts the reading frame from glutamic acid 305.
Molecular consequence: frameshift variant.
Genome position (GRCh38, 1-based): chr15:100,261,597, C duplicated on the plus strand (G on the coding strand, the reverse complement: ADAMTS17 is on the minus strand); the first of 2 consecutive C bases (chr15:100,261,597-100,261,598); duplicating either gives the same sequence. VCF-style (leftmost placement, unchanged base first): chr15-100261596-T-TC. GRCh37 (hg19) VCF-style: chr15-100801801-T-TC.
Other names: short protein forms E305fs.
Identifiers: ClinVar variation 2707790 (VCV002707790.3), dbSNP rs2548794622, ClinGen allele CA2697549428.
Genomic context (GRCh38, chr15:100,261,596, plus strand): 5'-TGGTTATTGCCGAGGTATCGCGCTCCTCCATACTCCTCGTTCTGCCAGTGACAGAAGCTC[T>TC]CCAGGGACCGCTCACCATGGTGCCCAATGGACAACTTAGCCTAAAAAAAGTCAGAGGACA-3'

ClinVar aggregate classification (germline): Pathogenic (1 of 4 stars; one submission).

Submission:

Labcorp Genetics (formerly Invitae), Labcorp
Classification: Pathogenic. Last evaluated: 2023-06-10. Review status: criteria provided, single submitter. Criteria: Invitae Variant Classification Sherloc (09022015). Collection method: clinical testing. Allele origin: germline.
Comment: This sequence change creates a premature translational stop signal (p.Glu305Glyfs*20) in the ADAMTS17 gene. It is expected to result in an absent or disrupted protein product. Loss-of-function variants in ADAMTS17 are known to be pathogenic (PMID: 19836009, 24940034). This variant is not present in population databases (gnomAD no frequency). This variant has not been reported in the literature in individuals affected with ADAMTS17-related conditions. For these reasons, this variant has been classified as Pathogenic.

Literature cited by the submitters: PubMed 19836009; PubMed 24940034.